The following is an entry in ClinVar:

NM_000179.3(MSH6):c.3712A>T (p.Thr1238Ser)

Gene: MSH6 (mutS homolog 6; plus strand). Cytogenetic location: 2p16.3.
Variant type: single nucleotide variant.
Coding change: c.3712A>T on transcript NM_000179.3 (MANE Select); coding-DNA position 3712, A replaced by T.
Protein change: p.Thr1238Ser; replaces threonine 1238 with serine.
Molecular consequence: missense variant.
Genome position (GRCh38, 1-based): chr2:47,806,269, A>T. VCF-style: chr2-47806269-A-T. GRCh37 (hg19) VCF-style: chr2-48033408-A-T.
Other names: c.3322A>T, p.Thr1108Ser (NM_001281492.2); c.2806A>T, p.Thr936Ser (NM_001281493.2, NM_001281494.2); short protein forms T1238S, T936S, T1108S.
Identifiers: ClinVar variation 567793 (VCV000567793.12), dbSNP rs1000702910, ClinGen allele CA346761003.

ClinVar aggregate classification (germline): Uncertain significance. Review status: criteria provided, multiple submitters, no conflicts (2 of 4 stars). 2 submissions from 2 submitters: Uncertain significance (2). Last evaluated 2024-08-22.

Conditions:
Hereditary nonpolyposis colorectal neoplasms. Identifiers: MedGen C0009405, MeSH D003123.
Hereditary cancer-predisposing syndrome. Also called: Neoplastic Syndromes, Hereditary; Tumor predisposition; Hereditary neoplastic syndrome; Hereditary Cancer Syndrome. Identifiers: Orphanet 140162, MedGen C0027672, MeSH D009386, MONDO:0015356.

Submissions (2):

Ambry Genetics
Classification: Uncertain significance for Hereditary cancer-predisposing syndrome. Last evaluated: 2024-08-22. Review status: criteria provided, single submitter. Criteria: Ambry Variant Classification Scheme 2023. Collection method: clinical testing. Allele origin: germline.
Comment: The p.T1238S variant (also known as c.3712A>T), located in coding exon 8 of the MSH6 gene, results from an A to T substitution at nucleotide position 3712. The threonine at codon 1238 is replaced by serine, an amino acid with similar properties. This amino acid position is conserved. In addition, this alteration is predicted to be tolerated by in silico analysis. Based on the available evidence, the clinical significance of this variant remains unclear.

Labcorp Genetics (formerly Invitae), Labcorp
Classification: Uncertain significance for Hereditary nonpolyposis colorectal neoplasms. Last evaluated: 2023-08-17. Review status: criteria provided, single submitter. Criteria: Invitae Variant Classification Sherloc (09022015). Collection method: clinical testing. Allele origin: germline.
Comment: This sequence change replaces threonine, which is neutral and polar, with serine, which is neutral and polar, at codon 1238 of the MSH6 protein (p.Thr1238Ser). This variant is not present in population databases (gnomAD no frequency). In summary, the available evidence is currently insufficient to determine the role of this variant in disease. Therefore, it has been classified as a Variant of Uncertain Significance. Advanced modeling of protein sequence and biophysical properties (such as structural, functional, and spatial information, amino acid conservation, physicochemical variation, residue mobility, and thermodynamic stability) performed at Invitae indicates that this missense variant is not expected to disrupt MSH6 protein function. ClinVar contains an entry for this variant (Variation ID: 567793). This variant has not been reported in the literature in individuals affected with MSH6-related conditions.